The following is an entry in ClinVar:

ClinVar aggregate classification (germline): Likely pathogenic (1 of 4 stars; one submission).

Conditions:
Cole-Carpenter syndrome 2 (CLCRP2). Identifiers: Orphanet 2050, MedGen C4225382, MONDO:0014573, OMIM 616294.

Submission:

Dasa
Classification: Likely pathogenic for Cole-Carpenter syndrome 2. Last evaluated: 2025-02-15. Review status: criteria provided, single submitter. Criteria: DASA Assertion Criteria. Collection method: clinical testing. Allele origin: germline.
Comment: NM_014822.4(SEC24D):c.10del (p.Gln4Lysfs*16) is a frameshift variant in SEC24D predicted to alter the reading frame and introduce a premature termination codon and is predicted to result in an absent or altered protein product. Loss of function is an established disease mechanism for SEC24D-associated disorders. Also, this variant is absent from population databases. Based on the currently available evidence, this variant is classified as likely pathogenic.

NM_014822.4(SEC24D):c.10del (p.Gln4fs)

Gene: SEC24D (SEC24 homolog D, COPII component; minus strand). Cytogenetic location: 4q26.
Variant type: Deletion.
Coding change: c.10del on transcript NM_014822.4 (MANE Select); coding-DNA position 10, one base deleted (C; older notation c.10delC).
Protein change: p.Gln4fs; shifts the reading frame from glutamine 4.
Molecular consequence: frameshift variant.
Genome position (GRCh38, 1-based): chr4:118,833,687, G deleted on the plus strand (C on the coding strand, the reverse complement: SEC24D is on the minus strand). VCF-style (leftmost placement, unchanged base first): chr4-118833686-TG-T. GRCh37 (hg19) VCF-style: chr4-119754841-TG-T.
Other names: c.10del, p.Gln4fs (NM_001318066.2); short protein forms Q4fs.
Identifiers: ClinVar variation 4884235 (VCV004884235.2).
Genomic context (GRCh38, chr4:118,833,686, plus strand): 5'-GGTGGAGAAAGGCCTATTCCAGGCTGAGGCTGAGAATACGGAGGTGTAGCCACGTAACCT[TG>T]TTGACTCATTATGAAAATATCATTCCATAGGATAATTCTACAAAAGAAGTCTGCAACAGA-3'